The following is an entry in ClinVar:

ClinVar aggregate classification (germline): Uncertain significance (1 of 4 stars; one submission).

Conditions:
Congenital myasthenic syndrome 11. Also called: MYASTHENIC SYNDROME, CONGENITAL, Ie; Myasthenic syndrome, congenital, 11, associated with acetylcholine receptor deficiency. Identifiers: Orphanet 590, MedGen C4225367, MONDO:0014588, OMIM 616326.
Fetal akinesia deformation sequence 1 (FADS1). Also called: Fetal akinesia sequence; Pena-Shokeir syndrome type I. Identifiers: Orphanet 994, MedGen C1276035, MONDO:0100101, OMIM 208150, HP:0001989.

gnomAD v4.1: 14 of 1,613,182 alleles (0.00087%); highest among the groups gnomAD compares: Middle Eastern, 0.016%; no homozygotes.

Submission:

Labcorp Genetics (formerly Invitae), Labcorp
Classification: Uncertain significance for Congenital myasthenic syndrome 11; Fetal akinesia deformation sequence 1. Last evaluated: 2024-08-15. Review status: criteria provided, single submitter. Criteria: Invitae Variant Classification Sherloc (09022015). Collection method: clinical testing. Allele origin: germline.
Comment: This sequence change replaces arginine, which is basic and polar, with histidine, which is basic and polar, at codon 151 of the RAPSN protein (p.Arg151His). This variant is present in population databases (no rsID available, gnomAD 0.0009%). This variant has not been reported in the literature in individuals affected with RAPSN-related conditions. Invitae Evidence Modeling of protein sequence and biophysical properties (such as structural, functional, and spatial information, amino acid conservation, physicochemical variation, residue mobility, and thermodynamic stability) indicates that this missense variant is not expected to disrupt RAPSN protein function with a negative predictive value of 80%. In summary, the available evidence is currently insufficient to determine the role of this variant in disease. Therefore, it has been classified as a Variant of Uncertain Significance.

NM_005055.5(RAPSN):c.452G>A (p.Arg151His)

Gene: RAPSN (receptor associated protein of the synapse; minus strand). Cytogenetic location: 11p11.2.
Variant type: single nucleotide variant.
Coding change: c.452G>A on transcript NM_005055.5 (MANE Select); coding-DNA position 452, G replaced by A.
Protein change: p.Arg151His; replaces arginine 151 with histidine.
Molecular consequence: missense variant.
Genome position (GRCh38, 1-based): chr11:47,447,891, C>T on the plus strand (G>A on the coding strand, the complement: RAPSN is on the minus strand). VCF-style: chr11-47447891-C-T. GRCh37 (hg19) VCF-style: chr11-47469443-C-T.
Other names: c.452G>A, p.Arg151His (NM_032645.5); short protein forms R151H.
Identifiers: ClinVar variation 3762358 (VCV003762358.2).